The following is an entry in ClinVar:

ClinVar aggregate classification (germline): Uncertain significance (1 of 4 stars; one submission).

Conditions:
Cardiomyopathy (CMYO). Also called: Cardiomyopathies. Identifiers: Orphanet 167848, MedGen C0878544, MONDO:0004994, HP:0001638. Inheritance: Various modes of inheritance.

Submission:

Color Diagnostics, LLC DBA Color Health
Classification: Uncertain significance for Cardiomyopathy. Last evaluated: 2022-01-18. Review status: criteria provided, single submitter. Criteria: ACMG Guidelines, 2015. Collection method: clinical testing. Allele origin: germline.
Comment: This variant replaces twenty-two nucleotides in exon 15 of the DSG2 gene with twelve new nucleotides, creating a frameshift in the last exon. The mutant transcript is expected to escape nonsense-mediated decay and be expressed as a protein product containing altered C-terminal sequence. To our knowledge, functional studies have not been reported for this variant. This variant has not been reported in individuals affected with cardiovascular disorders in the literature. This variant has not been identified in the general population by the Genome Aggregation Database (gnomAD). A truncating variant occurring downstream of this variant, c.3059_3062del (p.Glu1020Alafs*18), has been observed in individuals affected with arrhythmogenic right ventricular cardiomyopathy (ClinVar variation ID: 199827). Although there is a suspicion for a pathogenic role, clinical relevance of loss-of-function DSG2 truncation and splice variants in autosomal dominant arrhythmogenic right ventricular cardiomyopathy is not yet clearly established. The available evidence is insufficient to determine the role of this variant in disease conclusively. Therefore, this variant is classified as a Variant of Uncertain Significance.

NM_001943.5(DSG2):c.2879_2900delinsAGCTGAAGCAAG (p.Ser960fs)

Genes: DSG2 (desmoglein 2; plus strand), DSG2-AS1 (DSG2 antisense RNA 1; minus strand). Cytogenetic location: 18q12.1.
Variant type: Indel.
Coding change: c.2879_2900delinsAGCTGAAGCAAG on transcript NM_001943.5 (MANE Select); coding-DNA positions 2879 to 2900, GCCTTATTGTGACAGAGAGGGT replaced by AGCTGAAGCAAG.
Protein change: p.Ser960fs; shifts the reading frame from serine 960.
Molecular consequence: frameshift variant.
Genome position (GRCh38, 1-based): chr18:31,546,265-31,546,286, GCCTTATTGTGACAGAGAGGGT replaced by AGCTGAAGCAAG. GRCh37 (hg19): chr18:29,126,228-29,126,249.
Other names: short protein forms S960fs.
Identifiers: ClinVar variation 1332162 (VCV001332162.4), dbSNP rs2144360481, ClinGen allele CA2573054651.
Genomic context (GRCh38, chr18:31,546,265, plus strand): 5'-ATGTCACAGGGTCCACTATGCCACCAACCACTGTGATCCTGGGTCCTAGCCAGCCACAGA[GCCTTATTGTGACAGAGAGGGT>AGCTGAAGCAAG]GTATGCTCCAGCTTCTACCTTGGTAGATCAGCCTTATGCTAATGAAGGTACAGTTGTGGT-3'